The following is an entry in ClinVar:

NM_018975.4(TERF2IP):c.1124A>T (p.Glu375Val)

Gene: TERF2IP (TERF2 interacting protein; plus strand). Cytogenetic location: 16q23.1.
Variant type: single nucleotide variant.
Coding change: c.1124A>T on transcript NM_018975.4 (MANE Select); coding-DNA position 1124, A replaced by T.
Protein change: p.Glu375Val; replaces glutamic acid 375 with valine.
Molecular consequence: missense variant. On other transcripts: non-coding transcript variant (1).
Genome position (GRCh38, 1-based): chr16:75,656,535, A>T. VCF-style: chr16-75656535-A-T. GRCh37 (hg19) VCF-style: chr16-75690433-A-T.
Other names: short protein forms E375V.
Identifiers: ClinVar variation 1798625 (VCV001798625.3), dbSNP rs748480297, ClinGen allele CA8178172.

ClinVar aggregate classification (germline): Uncertain significance (1 of 4 stars; one submission).

Allele frequency attached by ClinVar (database versions not stated): gnomAD exomes below 0.00001; ExAC 0.00001.
gnomAD v4.1: 3 of 1,614,170 alleles (0.00019%); highest among the groups gnomAD compares: Non-Finnish European, 0.00017%; no homozygotes.

Submission:

Ambry Genetics
Classification: Uncertain significance. Last evaluated: 2023-09-01. Review status: criteria provided, single submitter. Criteria: Ambry Variant Classification Scheme 2023. Collection method: clinical testing. Allele origin: germline.
Comment: The p.E375V variant (also known as c.1124A>T), located in coding exon 3 of the TERF2IP gene, results from an A to T substitution at nucleotide position 1124. The glutamic acid at codon 375 is replaced by valine, an amino acid with dissimilar properties. This amino acid position is conserved. In addition, this alteration is predicted to be tolerated by in silico analysis. Since supporting evidence is limited at this time, the clinical significance of this alteration remains unclear.